The following is an entry in ClinVar:

ClinVar aggregate classification (germline): Likely benign. Review status: criteria provided, multiple submitters, no conflicts (2 of 4 stars). 2 submissions from 2 submitters: Likely benign (2). Last evaluated 2024-06-20.

Conditions:
Familial cancer of breast. Also called: Hereditary breast cancer; BREAST CANCER, FAMILIAL; hereditary breast carcinoma. Identifiers: Orphanet 227535, MedGen C0346153, MONDO:0016419, OMIM 114480. Disease mechanism: loss of function.
Ataxia-telangiectasia syndrome (AT). Also called: LOUIS-BAR SYNDROME; Cerebello-oculocutaneous telangiectasia; Immunodeficiency with ataxia telangiectasia; Ataxia-telangiectasia, complementation group D; AT, COMPLEMENTATION GROUP C; Ataxia-telangiectasia, complementation group E. Identifiers: Orphanet 100, MedGen C0004135, MONDO:0008840, OMIM 208900.

Allele frequency attached by ClinVar (database versions not stated): gnomAD exomes below 0.00001.

Submissions (2):

Myriad Genetics, Inc.
Classification: Likely benign for Familial cancer of breast. Last evaluated: 2024-06-20. Review status: criteria provided, single submitter. Criteria: Myriad Autosomal Dominant, Autosomal Recessive and X-Linked Classification Criteria (2023). Collection method: clinical testing. Allele origin: unknown.
Comment: This variant is considered likely benign. This variant is intronic and is not expected to impact mRNA splicing.

Labcorp Genetics (formerly Invitae), Labcorp
Classification: Likely benign for Ataxia-telangiectasia syndrome. Last evaluated: 2022-06-28. Review status: criteria provided, single submitter. Criteria: Invitae Variant Classification Sherloc (09022015). Collection method: clinical testing. Allele origin: germline.

NM_000051.4(ATM):c.8584+7T>G

Genes: ATM (ATM serine/threonine kinase; plus strand), C11orf65 (chromosome 11 open reading frame 65; minus strand). Cytogenetic location: 11q22.3.
Variant type: single nucleotide variant.
Coding change: c.8584+7T>G on transcript NM_000051.4 (MANE Select); 7 bases into the intron after coding-DNA position 8584, T replaced by G.
Molecular consequence: intron variant.
Genome position (GRCh38, 1-based): chr11:108,345,915, T>G. VCF-style: chr11-108345915-T-G. GRCh37 (hg19) VCF-style: chr11-108216642-T-G.
Other names: c.8584+7T>G (NM_001351834.2); c.641-36844A>C (NM_001330368.2); c.695-10623A>C (NM_001351110.2).
Identifiers: ClinVar variation 453734 (VCV000453734.10), dbSNP rs1374271708, ClinGen allele CA602132886.
Genomic context (GRCh38, chr11:108,345,915, plus strand): 5'-TTTGGTTTGAGAAGCGATTGGCTTATACGCGCAGTGTAGCTACTTCTTCTATTGGTAATC[T>G]TCTTGTACATATAGTAGATTGAGCACTTTGTTGTTTGGCAGGTTTTATTTTTGTTTGATT-3'